The following is an entry in ClinVar:

NM_024301.5(FKRP):c.946C>A (p.Pro316Thr)

Gene: FKRP (fukutin related protein; plus strand). Cytogenetic location: 19q13.32.
Variant type: single nucleotide variant.
Coding change: c.946C>A on transcript NM_024301.5 (MANE Select); coding-DNA position 946, C replaced by A.
Protein change: p.Pro316Thr; replaces proline 316 with threonine.
Molecular consequence: missense variant.
Genome position (GRCh38, 1-based): chr19:46,756,396, C>A. VCF-style: chr19-46756396-C-A. GRCh37 (hg19) VCF-style: chr19-47259653-C-A.
Other names: c.946C>A, p.Pro316Thr (NM_001039885.3); short protein forms P316T.
Identifiers: ClinVar variation 4224 (VCV000004224.11), dbSNP rs28937901, ClinGen allele CA116706.

ClinVar aggregate classification (germline): Pathogenic/Likely pathogenic. Review status: criteria provided, multiple submitters, no conflicts (2 of 4 stars). 6 submissions from 6 submitters: Pathogenic (1); Likely pathogenic (3). 2 of the submissions do not count toward it. Last evaluated 2025-06-20.

Conditions:
Walker-Warburg congenital muscular dystrophy. Also called: Muscular dystrophy-dystroglycanopathy, type A; Walker-Warburg syndrome. Identifiers: Orphanet 899, MedGen C0265221, MONDO:0000171.
Muscular dystrophy-dystroglycanopathy type B5 (MDDGB5). Also called: MUSCULAR DYSTROPHY, CONGENITAL, 1C; MUSCULAR DYSTROPHY, CONGENITAL, FKRP-RELATED; MUSCULAR DYSTROPHY-DYSTROGLYCANOPATHY (CONGENITAL WITH OR WITHOUT IMPAIRED INTELLECTUAL DEVELOPMENT), TYPE B, 5. Identifiers: MedGen C1847759, MONDO:0011688, OMIM 606612.
Autosomal recessive limb-girdle muscular dystrophy type 2I. Also called: MUSCULAR DYSTROPHY-DYSTROGLYCANOPATHY, LIMB-GIRDLE, FRKP-RELATED; MUSCULAR DYSTROPHY, LIMB-GIRDLE, TYPE 2I; MUSCULAR DYSTROPHY-DYSTROGLYCANOPATHY (LIMB-GIRDLE), TYPE C, 5. Identifiers: Orphanet 34515, MedGen C1846672, MONDO:0011787, OMIM 607155.

Submissions (6):

Natera, Inc.
Classification: Likely pathogenic for Limb-girdle muscular dystrophy type 2I. Last evaluated: 2025-06-20. Review status: criteria provided, single submitter. Criteria: Natera Variant Classification Schema (03/2026). Collection method: clinical testing. Allele origin: germline.
Comment: The c.946C>A variant in FKRP is a missense variant predicted to cause substitution of proline to threonine at amino acid 316. This variant is rare in the general population with a frequency below the threshold expected for the associated phenotype(s). This variant has been observed in one or more individuals affected with the associated recessive disease, as either homozygous or compound heterozygous with a second variant (PMID: 36575883, 12654965). A different variant at the same position has been determined to be Pathogenic or Likely Pathogenic. Computational prediction algorithms indicate this variant is likely to affect gene or protein function. Given the available evidence, this variant is classified as Likely Pathogenic.

Labcorp Genetics (formerly Invitae), Labcorp
Classification: Pathogenic for Walker-Warburg congenital muscular dystrophy. Last evaluated: 2025-05-05. Review status: criteria provided, single submitter. Criteria: Invitae Variant Classification Sherloc (09022015). Collection method: clinical testing. Allele origin: germline.
Comment: This sequence change replaces proline, which is neutral and non-polar, with threonine, which is neutral and polar, at codon 316 of the FKRP protein (p.Pro316Thr). This variant is not present in population databases (gnomAD no frequency). This missense change has been observed in individual(s) with autosomal recessive muscular dystrophy-dystroglycanopathy (PMID: 12654965). This variant is also known as Pro315Thr. ClinVar contains an entry for this variant (Variation ID: 4224). Invitae Evidence Modeling of protein sequence and biophysical properties (such as structural, functional, and spatial information, amino acid conservation, physicochemical variation, residue mobility, and thermodynamic stability) indicates that this missense variant is expected to disrupt FKRP protein function with a positive predictive value of 95%. Experimental studies have shown that this missense change affects FKRP function (PMID: 31268217). This variant disrupts the p.Pro316 amino acid residue in FKRP. Other variant(s) that disrupt this residue have been determined to be pathogenic (PMID: 11592034, 11741828, 16368217, 25135358). This suggests that this residue is clinically significant, and that variants that disrupt this residue are likely to be disease-causing. For these reasons, this variant has been classified as Pathogenic.

GeneDx
Classification: Likely pathogenic. Last evaluated: 2025-01-19. Review status: criteria provided, single submitter. Criteria: GeneDx Variant Classification Process June 2021. Collection method: clinical testing. Allele origin: germline. Affected: yes.
Comment: Not observed at significant frequency in large population cohorts (gnomAD); Missense variants in this gene are a common cause of disease and they are underrepresented in the general population; In silico analysis supports that this missense variant has a deleterious effect on protein structure/function; This variant is associated with the following publications: (PMID: 11592034, 27439679, 31268217, 25135358, 16368217, 11741828, 11053680, 36575883, 16476814, 19833706, 12654965, 37154180, 12666124)

Revvity Omics, Revvity
Classification: Likely pathogenic. Last evaluated: 2022-08-23. Review status: criteria provided, single submitter. Criteria: ACMG Guidelines, 2015. Collection method: clinical testing. Allele origin: germline.

Counsyl
Classification: Uncertain significance for Autosomal recessive limb-girdle muscular dystrophy type 2I. Last evaluated: 2017-12-29. Review status: no assertion criteria provided. Collection method: clinical testing. Allele origin: unknown. Not counted in ClinVar's aggregate classification.

OMIM
Classification: Pathogenic for MUSCULAR DYSTROPHY-DYSTROGLYCANOPATHY (CONGENITAL WITH IMPAIRED INTELLECTUAL DEVELOPMENT), TYPE B, 5. Last evaluated: 2003-03-25. Review status: no assertion criteria provided. Collection method: literature only. Allele origin: germline. Not counted in ClinVar's aggregate classification.

Literature cited by the submitters: PubMed 36575883 (cited by Natera, Inc.); PubMed 12654965 (cited by 4 submitters); PubMed 31268217 (cited by Labcorp Genetics (formerly Invitae), Labcorp); PubMed 11592034 (cited by Labcorp Genetics (formerly Invitae), Labcorp); PubMed 11741828 (cited by Labcorp Genetics (formerly Invitae), Labcorp); PubMed 16368217 (cited by Labcorp Genetics (formerly Invitae), Labcorp); PubMed 25135358 (cited by Labcorp Genetics (formerly Invitae), Labcorp); PubMed 19833706 (cited by Counsyl); PubMed 11053680 (cited by OMIM).